The following is an entry in ClinVar:

ClinVar aggregate classification (germline): Uncertain significance (1 of 4 stars; one submission).

Conditions:
Angelman syndrome (AS). Also called: HAPPY PUPPET SYNDROME. Identifiers: Orphanet 72, MedGen C0162635, MONDO:0007113, OMIM 105830. Disease mechanism: loss of function. Inheritance: AS is caused by disruption of maternally imprinted UBE3A located within the 15q11.2-q13 Angelman syndrome/Prader-Willi syndrome (AS/PWS) region., imprinting disorder.

Submission:

Labcorp Genetics (formerly Invitae), Labcorp
Classification: Uncertain significance for Angelman syndrome. Last evaluated: 2021-08-05. Review status: criteria provided, single submitter. Criteria: Invitae Variant Classification Sherloc (09022015). Collection method: clinical testing. Allele origin: germline.
Comment: This missense change has been observed in individual(s) with clinical features of Angelman syndrome (Invitae). Algorithms developed to predict the effect of missense changes on protein structure and function are either unavailable or do not agree on the potential impact of this missense change (SIFT: "Not Available"; PolyPhen-2: "Benign"; Align-GVGD: "Not Available"). Algorithms developed to predict the effect of sequence changes on RNA splicing suggest that this variant may create or strengthen a splice site. In summary, the available evidence is currently insufficient to determine the role of this variant in disease. Therefore, it has been classified as a Variant of Uncertain Significance. This variant is not present in population databases (ExAC no frequency). This sequence change replaces arginine with glycine at codon 132 of the UBE3A protein (p.Arg132Gly). The arginine residue is highly conserved and there is a moderate physicochemical difference between arginine and glycine.

NM_130839.5(UBE3A):c.454A>G (p.Arg152Gly)

Genes: SNHG14 (small nucleolar RNA host gene 14; plus strand), UBE3A (ubiquitin protein ligase E3A; minus strand). Cytogenetic location: 15q11.2.
Variant type: single nucleotide variant.
Coding change: c.454A>G on transcript NM_130839.5 (MANE Select); coding-DNA position 454, A replaced by G.
Protein change: p.Arg152Gly; replaces arginine 152 with glycine.
Molecular consequence: missense variant. On other transcripts: non-coding transcript variant (1), intron variant (2).
Genome position (GRCh38, 1-based): chr15:25,371,720, T>C on the plus strand (A>G on the coding strand, the complement: UBE3A is on the minus strand). VCF-style: chr15-25371720-T-C. GRCh37 (hg19) VCF-style: chr15-25616867-T-C.
Other names: c.463A>G, p.Arg155Gly (NM_000462.5); c.454A>G, p.Arg152Gly (NM_001354505.1, NM_001354538.2, NM_001354545.2); c.394A>G, p.Arg132Gly (NM_001354506.2, NM_001354507.2, NM_001354508.2 and 17 more transcripts); c.277A>G, p.Arg93Gly (NM_001354546.2); c.301+3745A>G (NM_001354551.2); c.361+3745A>G (NM_001354550.2); short protein forms R152G, R93G, R132G, R155G.
Identifiers: ClinVar variation 1510578 (VCV001510578.6), dbSNP rs772621378, ClinGen allele CA391355824.